The following is an entry in ClinVar:

ClinVar aggregate classification (germline): Likely benign (1 of 4 stars; one submission).

Conditions:
Neurodegeneration with brain iron accumulation 4 (NBIA4). Also called: MITOCHONDRIAL PROTEIN-ASSOCIATED NEURODEGENERATION. Identifiers: Orphanet 289560, MedGen C3280371, MONDO:0013674, OMIM 614298. Disease mechanism: loss of function.

Allele frequency attached by ClinVar (database versions not stated): ExAC 0.00046; gnomAD 0.00047 and 0.00070; gnomAD exomes 0.00054 and 0.00133; TOPMed 0.00066; 1000 Genomes Project 30x 0.00406; 1000 Genomes Project 0.00439.
gnomAD v4.1: 265 of 454,130 alleles (0.058%); highest among the groups gnomAD compares: East Asian, 1.7%; 2 homozygotes.

Submission:

Illumina Laboratory Services, Illumina
Classification: Likely benign for Neurodegeneration with brain iron accumulation 4. Last evaluated: 2018-01-13. Review status: criteria provided, single submitter. Criteria: ICSL Variant Classification Criteria 13 December 2019. Collection method: clinical testing. Allele origin: germline.
Comment: This variant was observed in the ICSL laboratory as part of a predisposition screen in an ostensibly healthy population. It had not been previously curated by ICSL or reported in the Human Gene Mutation Database (HGMD: prior to June 1st, 2018), and was therefore a candidate for classification through an automated scoring system. Utilizing variant allele frequency, disease prevalence and penetrance estimates, and inheritance mode, an automated score was calculated to assess if this variant is too frequent to cause the disease. Based on the score and internal cut-off values, a variant classified as likely benign is not then subjected to further curation. The score for this variant resulted in a classification of likely benign for this disease.

NM_031448.6(C19orf12):c.*1557T>C

Gene: C19orf12 (chromosome 19 open reading frame 12; minus strand). Cytogenetic location: 19q12.
Variant type: single nucleotide variant.
Coding change: c.*1557T>C on transcript NM_031448.6 (MANE Select); 1557 bases downstream of the stop codon, T replaced by C.
Molecular consequence: 3 prime UTR variant.
Genome position (GRCh38, 1-based): chr19:29,701,155, A>G on the plus strand (T>C on the coding strand, the complement: C19orf12 is on the minus strand). VCF-style: chr19-29701155-A-G. GRCh37 (hg19) VCF-style: chr19-30192062-A-G.
Other names: c.*1557T>C (NM_001031726.4, NM_001256047.2, NM_001282929.1 and 2 more transcripts); c.*1604T>C (NM_001256046.3).
Identifiers: ClinVar variation 328696 (VCV000328696.5), dbSNP rs116963085, ClinGen allele CA9351737.